The following is an entry in ClinVar:

ClinVar aggregate classification (germline): Uncertain significance (1 of 4 stars; one submission).

Conditions:
Nemaline myopathy 2 (NEM2). Also called: Nemaline myopathy 2, autosomal recessive. Identifiers: MedGen C1850569, MONDO:0009725, OMIM 256030.

Submission:

Labcorp Genetics (formerly Invitae), Labcorp
Classification: Uncertain significance for Nemaline myopathy 2. Last evaluated: 2022-08-05. Review status: criteria provided, single submitter. Criteria: Invitae Variant Classification Sherloc (09022015). Collection method: clinical testing. Allele origin: germline.
Comment: This sequence change replaces asparagine, which is neutral and polar, with aspartic acid, which is acidic and polar, at codon 3238 of the NEB protein (p.Asn3238Asp). This variant is not present in population databases (gnomAD no frequency). This variant has not been reported in the literature in individuals affected with NEB-related conditions. Algorithms developed to predict the effect of missense changes on protein structure and function are either unavailable or do not agree on the potential impact of this missense change (SIFT: "Deleterious"; PolyPhen-2: "Not Available"; Align-GVGD: "Class C0"). In summary, the available evidence is currently insufficient to determine the role of this variant in disease. Therefore, it has been classified as a Variant of Uncertain Significance.

NM_001164508.2(NEB):c.9712A>G (p.Asn3238Asp)

Gene: NEB (nebulin; minus strand). Cytogenetic location: 2q23.3.
Variant type: single nucleotide variant.
Coding change: c.9712A>G on transcript NM_001164508.2 (MANE Select); coding-DNA position 9712, A replaced by G.
Protein change: p.Asn3238Asp; replaces asparagine 3238 with aspartic acid.
Molecular consequence: missense variant.
Genome position (GRCh38, 1-based): chr2:151,630,726, T>C on the plus strand (A>G on the coding strand, the complement: NEB is on the minus strand). VCF-style: chr2-151630726-T-C. GRCh37 (hg19) VCF-style: chr2-152487240-T-C.
Other names: c.9712A>G, p.Asn3238Asp (NM_001164507.2, NM_001271208.2); c.8983A>G, p.Asn2995Asp (NM_004543.5); short protein forms N2995D, N3238D.
Identifiers: ClinVar variation 1715256 (VCV001715256.3), dbSNP rs2552237975, ClinGen allele CA348798722.
Genomic context (GRCh38, chr2:151,630,726, plus strand): 5'-AGTATAGACACCACCACCACAATATAGCACCACAGATTTTTGCTCCTACCTCACTGTAGT[T>C]GATTTTGTTCTGCCTTGCCAACATAATCTCTGGTGTATCAGGCATTATGTGAATTTGAGT-3'
Protein context (NP_001157980.2, residues 3228-3248): EIMLARQNKI[Asn3238Asp]YSETLYKLAN